The following is an entry in ClinVar:

ClinVar aggregate classification (germline): Uncertain significance. Review status: criteria provided, multiple submitters, no conflicts (2 of 4 stars). 2 submissions from 2 submitters: Uncertain significance (2). Last evaluated 2025-08-18.

Conditions:
Charcot-Marie-Tooth disease type 2. Also called: Charcot-Marie-Tooth type 2. Identifiers: Orphanet 64746, MedGen C0270914, MONDO:0018993.

Submissions (2):

Labcorp Genetics (formerly Invitae), Labcorp
Classification: Uncertain significance for Charcot-Marie-Tooth disease type 2. Last evaluated: 2025-08-18. Review status: criteria provided, single submitter. Criteria: Invitae Variant Classification Sherloc (09022015). Collection method: clinical testing. Allele origin: germline.
Comment: This sequence change creates a premature translational stop signal (p.Thr768Asnfs*3) in the KIF1B gene. It is expected to result in an absent or disrupted protein product. However, the current clinical and genetic evidence is not sufficient to establish whether loss-of-function variants in KIF1B cause disease. This variant is not present in population databases (gnomAD no frequency). This variant has not been reported in the literature in individuals affected with KIF1B-related conditions. ClinVar contains an entry for this variant (Variation ID: 2624214). Algorithms developed to predict the effect of sequence changes on RNA splicing suggest that this variant may disrupt the consensus splice site. In summary, the available evidence is currently insufficient to determine the role of this variant in disease. Therefore, it has been classified as a Variant of Uncertain Significance.

Ambry Genetics
Classification: Uncertain significance. Last evaluated: 2023-08-23. Review status: criteria provided, single submitter. Criteria: Ambry Variant Classification Scheme 2023. Collection method: clinical testing. Allele origin: germline.
Comment: The c.2302dupA variant, located in coding exon 22 of the KIF1B gene, results from a duplication of A at nucleotide position 2302, causing a translational frameshift with a predicted alternate stop codon (p.T768Nfs*3). This alteration is expected to result in loss of function by premature protein truncation or nonsense-mediated mRNA decay. The evidence for this gene-disease relationship is limited; therefore, the clinical significance of this alteration is unclear.

NM_001365951.3(KIF1B):c.2440dup (p.Thr814fs)

Gene: KIF1B (kinesin family member 1B; plus strand). Cytogenetic location: 1p36.22.
Variant type: Duplication.
Coding change: c.2440dup on transcript NM_001365951.3 (MANE Select); coding-DNA position 2440, one base duplicated (A; older notation c.2440dupA).
Protein change: p.Thr814fs; shifts the reading frame from threonine 814.
Molecular consequence: frameshift variant.
Genome position (GRCh38, 1-based): chr1:10,323,965, A duplicated; the last of 6 consecutive A bases (chr1:10,323,960-10,323,965); duplicating any one gives the same sequence. VCF-style (leftmost placement, unchanged base first): chr1-10323959-G-GA. GRCh37 (hg19) VCF-style: chr1-10384017-G-GA.
Other names: c.2302dupA (NM_015074.3); c.2440dup, p.Thr814fs (NM_001365952.1); c.2302dup, p.Thr768fs (NM_015074.3); short protein forms T814fs, T768fs.
Identifiers: ClinVar variation 2624214 (VCV002624214.3), dbSNP rs1386209682, ClinGen allele CA884736158.